The following is an entry in ClinVar:

NM_002294.3(LAMP2):c.1077del (p.Gly360fs)

Gene: LAMP2 (lysosome associated membrane protein 2; minus strand). Cytogenetic location: Xq24.
Variant type: Deletion.
Coding change: c.1077del on transcript NM_002294.3 (MANE Select); coding-DNA position 1077, one base deleted (A; older notation c.1077delA).
Protein change: p.Gly360fs; shifts the reading frame from glycine 360.
Molecular consequence: frameshift variant.
Genome position (GRCh38, 1-based): chrX:120,441,746, T deleted on the plus strand (A on the coding strand, the reverse complement: LAMP2 is on the minus strand); the first of 2 consecutive T bases (chrX:120,441,746-120,441,747); deleting either gives the same sequence. VCF-style (leftmost placement, unchanged base first): chrX-120441745-CT-C. GRCh37 (hg19) VCF-style: chrX-119575600-CT-C.
Other names: c.1077del, p.Gly360fs (NM_001122606.1, NM_013995.2); short protein forms G360fs.
Identifiers: ClinVar variation 4855870 (VCV004855870.1).
Genomic context (GRCh38, chrX:120,441,745, plus strand): 5'-CAACATAAGAACATAAATTATTAATGAAGTTTGCTTGATTCTTACCTGTAGAATACTTTC[CT>C]TGTGTCACATTGAAAGGCTGAACCCTTAGATCAAAGGTATTTATCTGAAATGCTCCAGAC-3'

ClinVar aggregate classification (germline): Likely pathogenic (1 of 4 stars; one submission).

Conditions:
Danon disease. Also called: Glycogen Storage Disease Type IIb; PSEUDOGLYCOGENOSIS II; GSD IIb; LYSOSOMAL GLYCOGEN STORAGE DISEASE WITHOUT ACID MALTASE DEFICIENCY; ANTOPOL DISEASE. Identifiers: Orphanet 34587, MedGen C0878677, MONDO:0010281, OMIM 300257.

Submission:

3billion
Classification: Likely pathogenic for Danon disease. Last evaluated: 2025-12-23. Review status: criteria provided, single submitter. Criteria: ACMG Guidelines, 2015. Collection method: clinical testing. Allele origin: germline. Affected: yes.
Comment: The variant is not observed in the gnomAD v4.1.0 dataset. Predicted Consequence/Location: Frameshift: predicted to result in a loss or disruption of normal protein function through protein truncation. The predicted truncated protein may be shortened by more than 10%. Therefore, this variant is classified as Likely pathogenic according to the recommendation of ACMG/AMP guideline.